The following is an entry in ClinVar:

NM_024496.4(IRF2BPL):c.1268A>C (p.Tyr423Ser)

Gene: IRF2BPL (interferon regulatory factor 2 binding protein like; minus strand). Cytogenetic location: 14q24.3.
Variant type: single nucleotide variant.
Coding change: c.1268A>C on transcript NM_024496.4 (MANE Select); coding-DNA position 1268, A replaced by C.
Protein change: p.Tyr423Ser; replaces tyrosine 423 with serine.
Molecular consequence: missense variant.
Genome position (GRCh38, 1-based): chr14:77,026,525, T>G on the plus strand (A>C on the coding strand, the complement: IRF2BPL is on the minus strand). VCF-style: chr14-77026525-T-G. GRCh37 (hg19) VCF-style: chr14-77492868-T-G.
Other names: short protein forms Y423S.
Identifiers: ClinVar variation 3765753 (VCV003765753.1).

ClinVar aggregate classification (germline): Uncertain significance (1 of 4 stars; one submission).

Submission:

Greenwood Genetic Center Diagnostic Laboratories, Greenwood Genetic Center
Classification: Uncertain significance. Last evaluated: 2024-11-08. Review status: criteria provided, single submitter. Criteria: ACMG Guidelines, 2015. Collection method: clinical testing. Allele origin: germline. Affected: yes.
Comment: PM2, BP1, PP3